The following is an entry in ClinVar:

ClinVar aggregate classification (germline): Pathogenic/Likely pathogenic. Review status: criteria provided, multiple submitters, no conflicts (2 of 4 stars). 2 submissions from 2 submitters: Pathogenic (1); Likely pathogenic (1). Last evaluated 2025-07-29.

Conditions:
APOB-related disorder. Also called: APOB-related condition; APOB-related disorders.
Familial hypobetalipoproteinemia 1. Also called: APOB-Related Familial Hypobetalipoproteinemia; Hypobetalipoproteinemia, normotriglyceridemic; Acanthocytosis with hypobetalipoproteinemia. Identifiers: MedGen C4551990, MONDO:0014252, OMIM 615558.
Hypercholesterolemia, autosomal dominant, type B (FHCL2). Also called: Familial Hypercholesterolemia Type B; Hyperlipoproteinemia Type IIb; APOB-Related Familial Hypercholesterolemia, Autosomal Dominant; APOLIPOPROTEIN B-100, FAMILIAL DEFECTIVE; APOLIPOPROTEIN B-100, FAMILIAL LIGAND-DEFECTIVE; HYPERCHOLESTEROLEMIA, FAMILIAL, DUE TO LIGAND-DEFECTIVE APOLIPOPROTEIN B. Identifiers: MedGen C1704417, MONDO:0007751, OMIM 144010.

Submissions (2):

PreventionGenetics, part of Exact Sciences
Classification: Pathogenic for APOB-related condition. Last evaluated: 2025-07-29. Review status: criteria provided, single submitter. Criteria: ACMG Guidelines, 2015. Collection method: clinical testing. Allele origin: germline.
Comment: The APOB c.4216+2T>C variant is predicted to disrupt the GT donor site and interfere with normal splicing. This change has been reported in the homozygous state in a patient with autosomal recessive familial hypobetalipoproteinemia (FHBL; Calandra et al. 2011. PubMed ID: 21862702). This variant has not been reported in a large population database (gnomAD), indicating this variant is rare. Variants that disrupt the consensus splice donor site in APOB are expected to be pathogenic. This variant is interpreted as pathogenic.

Labcorp Genetics (formerly Invitae), Labcorp
Classification: Likely pathogenic for Familial hypobetalipoproteinemia 1; Hypercholesterolemia, autosomal dominant, type B. Last evaluated: 2024-05-06. Review status: criteria provided, single submitter. Criteria: Invitae Variant Classification Sherloc (09022015). Collection method: clinical testing. Allele origin: germline.
Comment: This sequence change affects a donor splice site in intron 25 of the APOB gene. It is expected to disrupt RNA splicing. Variants that disrupt the donor or acceptor splice site typically lead to a loss of protein function (PMID: 16199547), and loss-of-function variants in APOB are known to be pathogenic (PMID: 20032471). This variant is not present in population databases (gnomAD no frequency). Disruption of this splice site has been observed in individual(s) with hypobetalipoproteinemia (PMID: 21862702). Algorithms developed to predict the effect of sequence changes on RNA splicing suggest that this variant may disrupt the consensus splice site. In summary, the currently available evidence indicates that the variant is pathogenic, but additional data are needed to prove that conclusively. Therefore, this variant has been classified as Likely Pathogenic.

Literature cited by the submitters: PubMed 16199547 (cited by Labcorp Genetics (formerly Invitae), Labcorp); PubMed 20032471 (cited by Labcorp Genetics (formerly Invitae), Labcorp); PubMed 21862702 (cited by Labcorp Genetics (formerly Invitae), Labcorp).

NM_000384.3(APOB):c.4216+2T>C

Gene: APOB (apolipoprotein B; minus strand). Cytogenetic location: 2p24.1.
Variant type: single nucleotide variant.
Coding change: c.4216+2T>C on transcript NM_000384.3 (MANE Select); the canonical splice donor site of the intron after coding-DNA position 4216, T replaced by C.
Molecular consequence: splice donor variant.
Genome position (GRCh38, 1-based): chr2:21,013,158, A>G on the plus strand (T>C on the coding strand, the complement: APOB is on the minus strand). VCF-style: chr2-21013158-A-G. GRCh37 (hg19) VCF-style: chr2-21236030-A-G.
Other names: c.4216+2T>C (NM_000384.2).
Identifiers: ClinVar variation 3748465 (VCV003748465.3).